The following is an entry in ClinVar:

ClinVar aggregate classification (germline): Uncertain significance (1 of 4 stars; one submission).

Conditions:
Anemia, nonspherocytic hemolytic, due to G6PD deficiency (CNSHA1). Also called: Hemolytic anemia due to G6PD deficiency; Class I glucose-6-phosphate dehydrogenase deficiency; Favism, susceptibility to; ANEMIA, CONGENITAL, NONSPHEROCYTIC HEMOLYTIC, 1. Identifiers: Orphanet 466026, MedGen C2720289, MONDO:0010480, OMIM 300908.

Submission:

Labcorp Genetics (formerly Invitae), Labcorp
Classification: Uncertain significance for Anemia, nonspherocytic hemolytic, due to G6PD deficiency. Last evaluated: 2025-09-28. Review status: criteria provided, single submitter. Criteria: Invitae Variant Classification Sherloc (09022015). Collection method: clinical testing. Allele origin: germline.
Comment: This sequence change replaces glycine, which is neutral and non-polar, with valine, which is neutral and non-polar, at codon 222 of the G6PD protein (p.Gly222Val). This variant is not present in population databases (gnomAD no frequency). This variant has not been reported in the literature in individuals affected with G6PD-related conditions. Invitae Evidence Modeling of protein sequence and biophysical properties (such as structural, functional, and spatial information, amino acid conservation, physicochemical variation, residue mobility, and thermodynamic stability) indicates that this missense variant is expected to disrupt G6PD protein function with a positive predictive value of 95%. In summary, the available evidence is currently insufficient to determine the role of this variant in disease. Therefore, it has been classified as a Variant of Uncertain Significance.

NM_001360016.2(G6PD):c.665G>T (p.Gly222Val)

Gene: G6PD (glucose-6-phosphate dehydrogenase; minus strand). Cytogenetic location: Xq28.
Variant type: single nucleotide variant.
Coding change: c.665G>T on transcript NM_001360016.2 (MANE Select); coding-DNA position 665, G replaced by T.
Protein change: p.Gly222Val; replaces glycine 222 with valine.
Molecular consequence: missense variant.
Genome position (GRCh38, 1-based): chrX:154,534,140, C>A on the plus strand (G>T on the coding strand, the complement: G6PD is on the minus strand). VCF-style: chrX-154534140-C-A. GRCh37 (hg19) VCF-style: chrX-153762355-C-A.
Other names: c.755G>T, p.Gly252Val (NM_000402.4); c.665G>T, p.Gly222Val (NM_001042351.3); short protein forms G252V, G222V.
Identifiers: ClinVar variation 4746369 (VCV004746369.1).